The following is an entry in ClinVar:

ClinVar aggregate classification (germline): Uncertain significance. Review status: criteria provided, multiple submitters, no conflicts (2 of 4 stars). 4 submissions from 4 submitters: Uncertain significance (4). Last evaluated 2026-08-27.

Conditions:
Cardiovascular phenotype. Identifiers: MedGen CN230736.
Catecholaminergic polymorphic ventricular tachycardia (CVPT). Also called: Catecholamine-induced polymorphic ventricular tachycardia. Identifiers: Orphanet 3286, MedGen C5574922, MONDO:0017990.
Cardiomyopathy (CMYO). Also called: Cardiomyopathies. Identifiers: Orphanet 167848, MedGen C0878544, MONDO:0004994, HP:0001638. Inheritance: Various modes of inheritance.

Allele frequency attached by ClinVar (database versions not stated): TOPMed below 0.00001.
gnomAD v4.1: 1 of 1,613,796 alleles (0.000062%); no homozygotes.

Submissions (4):

Ambry Genetics
Classification: Uncertain significance for Cardiovascular phenotype. Last evaluated: 2026-08-27. Review status: criteria provided, single submitter. Criteria: Ambry Variant Classification Scheme 2023. Collection method: clinical testing. Allele origin: germline.

Color Diagnostics, LLC DBA Color Health
Classification: Uncertain significance for Cardiomyopathy. Last evaluated: 2024-03-07. Review status: criteria provided, single submitter. Criteria: ACMG Guidelines, 2015. Collection method: clinical testing. Allele origin: germline.
Comment: This missense variant replaces glycine with valine at codon 3225 of the RYR2 protein. Computational prediction suggests that this variant may have deleterious impact on protein structure and function (internally defined REVEL score threshold >= 0.7, PMID: 27666373). To our knowledge, functional studies have not been reported for this variant. This variant has not been reported in individuals affected with RYR2-related disorders in the literature. This variant has not been identified in the general population by the Genome Aggregation Database (gnomAD). The available evidence is insufficient to determine the role of this variant in disease conclusively. Therefore, this variant is classified as a Variant of Uncertain Significance.

All of Us Research Program, National Institutes of Health
Classification: Uncertain significance for Catecholaminergic polymorphic ventricular tachycardia. Last evaluated: 2023-12-13. Review status: criteria provided, single submitter. Criteria: ACMG Guidelines, 2015. Collection method: clinical testing. Allele origin: germline. Inheritance: Autosomal dominant inheritance. Observed: 1 variant allele, 1 heterozygote.
Comment: This missense variant replaces glycine with valine at codon 3225 of the RYR2 protein. Computational prediction suggests that this variant may have deleterious impact on protein structure and function (internally defined REVEL score threshold >= 0.7, PMID: 27666373). To our knowledge, functional studies have not been reported for this variant. This variant has not been reported in individuals affected with RYR2-related disorders in the literature. This variant has not been identified in the general population by the Genome Aggregation Database (gnomAD). The available evidence is insufficient to determine the role of this variant in disease conclusively. Therefore, this variant is classified as a Variant of Uncertain Significance.

This study involves interpretation of variants in research participants for the purpose of population health screening. Participant phenotype was not available at the time of variant classification. Additional details can be found in publication PMID: 35346344, PMCID: PMC8962531

AiLife Diagnostics
Classification: Uncertain significance. Last evaluated: 2022-02-17. Review status: criteria provided, single submitter. Criteria: ACMG Guidelines, 2015. Collection method: clinical testing. Allele origin: germline. Affected: yes. Observed: 1 variant allele.

NM_001035.3(RYR2):c.9674G>T (p.Gly3225Val)

Gene: RYR2 (ryanodine receptor 2; plus strand). Cytogenetic location: 1q43.
Variant type: single nucleotide variant.
Coding change: c.9674G>T on transcript NM_001035.3 (MANE Select); coding-DNA position 9674, G replaced by T.
Protein change: p.Gly3225Val; replaces glycine 3225 with valine.
Molecular consequence: missense variant.
Genome position (GRCh38, 1-based): chr1:237,707,042, G>T. VCF-style: chr1-237707042-G-T. GRCh37 (hg19) VCF-style: chr1-237870342-G-T.
Other names: c.9674G>T (NM_001035.2); short protein forms G3225V.
Identifiers: ClinVar variation 1677939 (VCV001677939.5), dbSNP rs1409242852, ClinGen allele CA345408541.